The following is an entry in ClinVar:

ClinVar aggregate classification (germline): Uncertain significance (1 of 4 stars; one submission).

Conditions:
Fibrous dysplasia of jaw (CRBM). Also called: Cherubism. Identifiers: Orphanet 184, MedGen C0008029, MONDO:0007315, OMIM 118400.

Submission:

Labcorp Genetics (formerly Invitae), Labcorp
Classification: Uncertain significance for Fibrous dysplasia of jaw. Last evaluated: 2024-08-11. Review status: criteria provided, single submitter. Criteria: Invitae Variant Classification Sherloc (09022015). Collection method: clinical testing. Allele origin: germline.
Comment: This sequence change replaces lysine, which is basic and polar, with arginine, which is basic and polar, at codon 29 of the SH3BP2 protein (p.Lys29Arg). This variant is not present in population databases (gnomAD no frequency). This variant has not been reported in the literature in individuals affected with SH3BP2-related conditions. Advanced modeling of protein sequence and biophysical properties (such as structural, functional, and spatial information, amino acid conservation, physicochemical variation, residue mobility, and thermodynamic stability) performed at Invitae indicates that this missense variant is not expected to disrupt SH3BP2 protein function with a negative predictive value of 80%. In summary, the available evidence is currently insufficient to determine the role of this variant in disease. Therefore, it has been classified as a Variant of Uncertain Significance.

NM_001122681.2(SH3BP2):c.86A>G (p.Lys29Arg)

Gene: SH3BP2 (SH3 domain binding protein 2; plus strand). Cytogenetic location: 4p16.3.
Variant type: single nucleotide variant.
Coding change: c.86A>G on transcript NM_001122681.2 (MANE Select); coding-DNA position 86, A replaced by G.
Protein change: p.Lys29Arg; replaces lysine 29 with arginine.
Molecular consequence: missense variant.
Genome position (GRCh38, 1-based): chr4:2,820,703, A>G. VCF-style: chr4-2820703-A-G. GRCh37 (hg19) VCF-style: chr4-2822430-A-G.
Other names: c.170A>G, p.Lys57Arg (NM_001145855.2); c.257A>G, p.Lys86Arg (NM_001145856.2); c.86A>G, p.Lys29Arg (NM_003023.4); short protein forms K57R, K29R, K86R.
Identifiers: ClinVar variation 3668053 (VCV003668053.2).